The following is an entry in ClinVar:

NM_006231.4(POLE):c.821T>C (p.Phe274Ser)

Gene: POLE (DNA polymerase epsilon, catalytic subunit; minus strand). Cytogenetic location: 12q24.33.
Variant type: single nucleotide variant.
Coding change: c.821T>C on transcript NM_006231.4 (MANE Select); coding-DNA position 821, T replaced by C.
Protein change: p.Phe274Ser; replaces phenylalanine 274 with serine.
Molecular consequence: missense variant.
Genome position (GRCh38, 1-based): chr12:132,676,634, A>G on the plus strand (T>C on the coding strand, the complement: POLE is on the minus strand). VCF-style: chr12-132676634-A-G. GRCh37 (hg19) VCF-style: chr12-133253220-A-G.
Other names: c.821T>C (NM_006231.2); short protein forms F274S.
Identifiers: ClinVar variation 2092534 (VCV002092534.5), dbSNP rs1447970531, ClinGen allele CA387364348.

ClinVar aggregate classification (germline): Uncertain significance. Review status: criteria provided, multiple submitters, no conflicts (2 of 4 stars). 2 submissions from 2 submitters: Uncertain significance (2). Last evaluated 2026-06-08.

Conditions:
Hereditary cancer-predisposing syndrome. Also called: Neoplastic Syndromes, Hereditary; Tumor predisposition; Hereditary Cancer Syndrome; Hereditary neoplastic syndrome. Identifiers: Orphanet 140162, MedGen C0027672, MeSH D009386, MONDO:0015356.

Submissions (2):

Ambry Genetics
Classification: Uncertain significance for Hereditary cancer-predisposing syndrome. Last evaluated: 2026-06-08. Review status: criteria provided, single submitter. Criteria: Ambry Variant Classification Scheme 2023. Collection method: clinical testing. Allele origin: germline.
Comment: The p.F274S variant (also known as c.821T>C), located in coding exon 9 of the POLE gene, results from a T to C substitution at nucleotide position 821. The phenylalanine at codon 274 is replaced by serine, an amino acid with highly dissimilar properties. This amino acid position is conserved. In addition, this alteration is predicted to be deleterious by in silico analysis. Based on the available evidence, the clinical significance of this variant remains unclear.

Labcorp Genetics (formerly Invitae), Labcorp
Classification: Uncertain significance. Last evaluated: 2022-02-03. Review status: criteria provided, single submitter. Criteria: Invitae Variant Classification Sherloc (09022015). Collection method: clinical testing. Allele origin: germline.
Comment: Algorithms developed to predict the effect of missense changes on protein structure and function (SIFT, PolyPhen-2, Align-GVGD) all suggest that this variant is likely to be disruptive. This variant has not been reported in the literature in individuals affected with POLE-related conditions. This variant is not present in population databases (gnomAD no frequency). This sequence change replaces phenylalanine, which is neutral and non-polar, with serine, which is neutral and polar, at codon 274 of the POLE protein (p.Phe274Ser). In summary, the available evidence is currently insufficient to determine the role of this variant in disease. Therefore, it has been classified as a Variant of Uncertain Significance.